The following is an entry in ClinVar:

NM_007294.4(BRCA1):c.773C>G (p.Pro258Arg)

Gene: BRCA1 (BRCA1 DNA repair associated; minus strand). Cytogenetic location: 17q21.31.
Variant type: single nucleotide variant.
Coding change: c.773C>G on transcript NM_007294.4 (MANE Select); coding-DNA position 773, C replaced by G.
Protein change: p.Pro258Arg; replaces proline 258 with arginine.
Molecular consequence: missense variant. On other transcripts: non-coding transcript variant (1).
Genome position (GRCh38, 1-based): chr17:43,094,758, G>C on the plus strand (C>G on the coding strand, the complement: BRCA1 is on the minus strand). VCF-style: chr17-43094758-G-C. GRCh37 (hg19) VCF-style: chr17-41246775-G-C.
Other names: c.560C>G, p.Pro187Arg (NM_001407571.1, NM_001407853.1, NM_001407894.1 and 12 more transcripts); c.773C>G, p.Pro258Arg (NM_001407581.1, NM_001407582.1, NM_001407583.1 and 54 more transcripts); c.770C>G, p.Pro257Arg (NM_001407587.1, NM_001407590.1, NM_001407591.1 and 38 more transcripts); c.764C>G, p.Pro255Arg (NM_001407646.1, NM_001407647.1, NM_001408408.1); c.650C>G, p.Pro217Arg (NM_001407648.1, NM_001407664.1, NM_001407665.1 and 34 more transcripts); c.647C>G, p.Pro216Arg (NM_001407649.1, NM_001407670.1, NM_001407671.1 and 20 more transcripts); c.695C>G, p.Pro232Arg (NM_001407653.1, NM_001407654.1, NM_001407655.1 and 9 more transcripts); c.692C>G, p.Pro231Arg (NM_001407659.1, NM_001407660.1, NM_001407661.1 and 3 more transcripts); and 14 more; short protein forms P258R, P211R, P131R, P188R, P191R, P210R, P255R, P130R.
Identifiers: ClinVar variation 55696 (VCV000055696.24), dbSNP rs80357225, ClinGen allele CA003860.

ClinVar aggregate classification (germline): Conflicting classifications of pathogenicity. Review status: criteria provided, conflicting classifications (1 of 4 stars). 9 submissions from 9 submitters: Uncertain significance (5); Likely benign (3). 1 of the submissions does not count toward it. Last evaluated 2026-01-16.

Conditions:
Breast-ovarian cancer, familial, susceptibility to, 1 (BROVCA1). Also called: BRCA1 Hereditary Breast and Ovarian Cancer; OVARIAN CANCER, SUSCEPTIBILITY TO. Identifiers: Orphanet 145, MedGen C2676676, MONDO:0011450, OMIM 604370. Disease mechanism: loss of function.
Hereditary cancer-predisposing syndrome. Also called: Hereditary Cancer Syndrome; Hereditary neoplastic syndrome; Neoplastic Syndromes, Hereditary; Tumor predisposition. Identifiers: Orphanet 140162, MedGen C0027672, MeSH D009386, MONDO:0015356.
Hereditary breast ovarian cancer syndrome. Also called: BRCA1- and BRCA2-Associated Hereditary Breast and Ovarian Cancer; Hereditary breast and ovarian cancer syndrome; Hereditary breast and ovarian cancer syndrome (HBOC); Breast and ovarian cancer; Hereditary breast and/or ovarian cancer syndrome; Hereditary breast and ovarian cancer. Identifiers: Orphanet 145, MedGen C0677776, MeSH D061325, MONDO:0003582. Disease mechanism: loss of function.

Submissions (9):

Labcorp Genetics (formerly Invitae), Labcorp
Classification: Uncertain significance for Hereditary breast ovarian cancer syndrome. Last evaluated: 2026-01-16. Review status: criteria provided, single submitter. Criteria: Invitae Variant Classification Sherloc (09022015). Collection method: clinical testing. Allele origin: germline.
Comment: This sequence change replaces proline, which is neutral and non-polar, with arginine, which is basic and polar, at codon 258 of the BRCA1 protein (p.Pro258Arg). This variant is not present in population databases (gnomAD no frequency). This missense change has been observed in individual(s) with breast cancer (PMID: 27062684). ClinVar contains an entry for this variant (Variation ID: 55696). Invitae Evidence Modeling of protein sequence and biophysical properties (such as structural, functional, and spatial information, amino acid conservation, physicochemical variation, residue mobility, and thermodynamic stability) indicates that this missense variant is expected to disrupt BRCA1 protein function with a positive predictive value of 80%. In summary, the available evidence is currently insufficient to determine the role of this variant in disease. Therefore, it has been classified as a Variant of Uncertain Significance.

Color Diagnostics, LLC DBA Color Health
Classification: Likely benign for Hereditary cancer-predisposing syndrome. Last evaluated: 2025-05-13. Review status: criteria provided, single submitter. Criteria: ACMG Guidelines, 2015. Collection method: clinical testing. Allele origin: germline.

Ambry Genetics
Classification: Uncertain significance for Hereditary cancer-predisposing syndrome. Last evaluated: 2024-02-15. Review status: criteria provided, single submitter. Criteria: Ambry Variant Classification Scheme 2023. Collection method: clinical testing. Allele origin: germline.
Comment: The p.P258R variant (also known as c.773C>G), located in coding exon 9 of the BRCA1 gene, results from a C to G substitution at nucleotide position 773. The proline at codon 258 is replaced by arginine, an amino acid with dissimilar properties. In a study of 1854 high-risk BR/OV cancer families in Italy, this alteration was detected in 1 family (Azzollini J et al. Eur. J. Intern. Med., 2016 Jul;32:65-71). This amino acid position is not well conserved in available vertebrate species. In addition, this alteration is predicted to be deleterious by in silico analysis. Based on the available evidence, the clinical significance of this alteration remains unclear.

Myriad Genetics, Inc.
Classification: Likely benign for Breast-ovarian cancer, familial, susceptibility to, 1. Last evaluated: 2023-04-04. Review status: criteria provided, single submitter. Criteria: Myriad Autosomal Dominant, Autosomal Recessive and X-Linked Classification Criteria (2023). Collection method: clinical testing. Allele origin: unknown.
Comment: This variant is considered likely benign. This variant is strongly associated with less severe personal and family histories of cancer, typical for individuals without pathogenic variants in this gene [PMID: 25085752].

University of Washington Department of Laboratory Medicine, University of Washington
Classification: Likely benign for Hereditary cancer-predisposing syndrome. Last evaluated: 2023-03-23. Review status: criteria provided, single submitter. Criteria: Dines et al. (Genet Med. 2020). Collection method: curation. Allele origin: germline.
Comment: Missense variant in a coldspot region where missense variants are very unlikely to be pathogenic (PMID:31911673).

BRCA1 coldspot (exon 11 using historical exon numbering). Reclassification based on statistical prior probability

Women's Health and Genetics/Laboratory Corporation of America, LabCorp
Classification: Uncertain significance. Last evaluated: 2023-03-06. Review status: criteria provided, single submitter. Criteria: LabCorp Variant Classification Summary - May 2015. Collection method: clinical testing. Allele origin: germline.
Comment: Variant summary: BRCA1 c.773C>G (p.Pro258Arg) results in a non-conservative amino acid change in the encoded protein sequence. Three of five in-silico tools predict a benign effect of the variant on protein function. The variant was absent in 249322 control chromosomes (gnomAD). The available data on variant occurrences in the general population are insufficient to allow any conclusion about variant significance. c.773C>G has been reported in the literature in at least one individual from a breast/ovarian cancer affected family (Azzollini_2016). This report does not provide unequivocal conclusions about association of the variant with Hereditary Breast And Ovarian Cancer Syndrome. To our knowledge, no experimental evidence demonstrating an impact on protein function has been reported. Five clinical diagnostic laboratories have submitted clinical-significance assessments for this variant to ClinVar after 2014 and all classified the variant as uncertain significance. Based on the evidence outlined above, the variant was classified as uncertain significance.

Mendelics
Classification: Uncertain significance. Last evaluated: 2022-05-04. Review status: criteria provided, single submitter. Criteria: Mendelics Assertion Criteria 2019. Collection method: clinical testing. Allele origin: germline.

Quest Diagnostics Nichols Institute San Juan Capistrano
Classification: Uncertain significance. Last evaluated: 2019-10-03. Review status: criteria provided, single submitter. Criteria: Quest Diagnostics criteria. Collection method: clinical testing. Allele origin: unknown.

Breast Cancer Information Core (BIC) (BRCA1)
Classification: Uncertain significance for Breast-ovarian cancer, familial 1. Last evaluated: 2004-03-30. Review status: no assertion criteria provided. Collection method: clinical testing. Allele origin: germline. Affected: yes. Observed: 1 variant allele. Not counted in ClinVar's aggregate classification.

Literature cited by the submitters: PubMed 27062684 (cited by 4 submitters); PubMed 25085752 (cited by Myriad Genetics, Inc.).